The following is an entry in ClinVar:

NM_000064.4(C3):c.1792G>A (p.Val598Met)

Gene: C3 (complement C3; minus strand). Cytogenetic location: 19p13.3.
Variant type: single nucleotide variant.
Coding change: c.1792G>A on transcript NM_000064.4 (MANE Select); coding-DNA position 1792, G replaced by A.
Protein change: p.Val598Met; replaces valine 598 with methionine.
Molecular consequence: missense variant.
Genome position (GRCh38, 1-based): chr19:6,709,737, C>T on the plus strand (G>A on the coding strand, the complement: C3 is on the minus strand). VCF-style: chr19-6709737-C-T. GRCh37 (hg19) VCF-style: chr19-6709748-C-T.
Other names: short protein forms V598M.
Identifiers: ClinVar variation 1507576 (VCV001507576.8), dbSNP rs1023851263, ClinGen allele CA304794499.

ClinVar aggregate classification (germline): Uncertain significance. Review status: criteria provided, multiple submitters, no conflicts (2 of 4 stars). 3 submissions from 3 submitters: Uncertain significance (3). Last evaluated 2025-09-30.

Conditions:
Complement component 3 deficiency. Identifiers: Orphanet 280133, MedGen C3151071, MONDO:0013417, OMIM 613779.
Age related macular degeneration 9. Identifiers: MedGen C1969651, MONDO:0012659, OMIM 611378.
Atypical hemolytic-uremic syndrome with C3 anomaly. Also called: AHUS, SUSCEPTIBILITY TO, 5. Identifiers: Orphanet 2134, MedGen C2752037, MONDO:0013043, OMIM 612925.
C3 glomerulonephritis. Also called: Nephropathy due to CFHR5 Deficiency; C3 GLOMERULOPATHY 3. Identifiers: Orphanet 329931, MedGen C4055342, MONDO:0013892, OMIM 614809.

Allele frequency attached by ClinVar (database versions not stated): gnomAD 0.00001.
gnomAD v4.1: 13 of 1,613,880 alleles (0.00081%); highest among the groups gnomAD compares: African/African-American, 0.0013%; no homozygotes.

Submissions (3):

Genomenon, Inc
Classification: Uncertain significance for C3 glomerulonephritis. Last evaluated: 2025-09-30. Review status: criteria provided, single submitter. Criteria: Genomenon Sequence Variant Interpretation Standards. Collection method: curation. Allele origin: germline. Affected: yes.
Comment: C3 p.Val598Met (c.1792G>A) is a missense variant that changes the amino acid at residue 598 from Valine to Methionine. This variant has been observed in at least one proband affected with C3 glomerulonephritis (PMID:38344720). It is absent or not present at a significant frequency in gnomAD. In silico models agree that this variant is possibly or probably damaging. In conclusion, we classify C3 p.Val598Met (c.1792G>A) as a variant of unknown significance.

Fulgent Genetics
Classification: Uncertain significance for Age related macular degeneration 9; Atypical hemolytic-uremic syndrome with C3 anomaly; Complement component 3 deficiency. Last evaluated: 2024-03-06. Review status: criteria provided, single submitter. Criteria: ACMG Guidelines, 2015. Collection method: clinical testing. Allele origin: germline.

Labcorp Genetics (formerly Invitae), Labcorp
Classification: Uncertain significance. Last evaluated: 2024-01-15. Review status: criteria provided, single submitter. Criteria: Invitae Variant Classification Sherloc (09022015). Collection method: clinical testing. Allele origin: germline.
Comment: This sequence change replaces valine, which is neutral and non-polar, with methionine, which is neutral and non-polar, at codon 598 of the C3 protein (p.Val598Met). This variant is present in population databases (no rsID available, gnomAD 0.01%). This variant has not been reported in the literature in individuals affected with C3-related conditions. ClinVar contains an entry for this variant (Variation ID: 1507576). Advanced modeling of protein sequence and biophysical properties (such as structural, functional, and spatial information, amino acid conservation, physicochemical variation, residue mobility, and thermodynamic stability) performed at Invitae indicates that this missense variant is expected to disrupt C3 protein function with a positive predictive value of 80%. In summary, the available evidence is currently insufficient to determine the role of this variant in disease. Therefore, it has been classified as a Variant of Uncertain Significance.

Literature cited by the submitters: PubMed 38344720 (cited by Genomenon, Inc).